The following is an entry in ClinVar:

NM_000179.3(MSH6):c.4075G>T (p.Glu1359Ter)

Gene: MSH6 (mutS homolog 6; plus strand). Cytogenetic location: 2p16.3.
Variant type: single nucleotide variant.
Coding change: c.4075G>T on transcript NM_000179.3 (MANE Select); coding-DNA position 4075, G replaced by T.
Protein change: p.Glu1359Ter; replaces glutamic acid 1359 with a stop codon.
Molecular consequence: nonsense.
Genome position (GRCh38, 1-based): chr2:47,806,852, G>T. VCF-style: chr2-47806852-G-T. GRCh37 (hg19) VCF-style: chr2-48033991-G-T.
Other names: c.3685G>T, p.Glu1229Ter (NM_001281492.2); c.3169G>T, p.Glu1057Ter (NM_001281493.2, NM_001281494.2); short protein forms E1057*, E1359*, E1229*.
Identifiers: ClinVar variation 643588 (VCV000643588.11), dbSNP rs267608081, ClinGen allele CA46720457.

ClinVar aggregate classification (germline): Conflicting classifications of pathogenicity. Review status: criteria provided, conflicting classifications (1 of 4 stars). 2 submissions from 2 submitters: Uncertain significance (1); Likely benign (1). Last evaluated 2020-12-18.

Conditions:
Hereditary nonpolyposis colorectal neoplasms. Identifiers: MedGen C0009405, MeSH D003123.
Hereditary cancer-predisposing syndrome. Also called: Neoplastic Syndromes, Hereditary; Tumor predisposition; Hereditary neoplastic syndrome; Hereditary Cancer Syndrome. Identifiers: Orphanet 140162, MedGen C0027672, MeSH D009386, MONDO:0015356.

Submissions (2):

Labcorp Genetics (formerly Invitae), Labcorp
Classification: Likely benign for Hereditary nonpolyposis colorectal neoplasms. Last evaluated: 2020-12-18. Review status: criteria provided, single submitter. Criteria: Invitae Variant Classification Sherloc (09022015). Collection method: clinical testing. Allele origin: germline.

Ambry Genetics
Classification: Uncertain significance for Hereditary cancer-predisposing syndrome. Last evaluated: 2017-11-01. Review status: criteria provided, single submitter. Criteria: Ambry Variant Classification Scheme 2023. Collection method: clinical testing. Allele origin: germline.
Comment: The p.E1359* variant (also known as c.4075G>T), located in coding exon 10 of the MSH6 gene, results from a G to T substitution at nucleotide position 4075. This changes the amino acid from a glutamic acid to a stop codon within coding exon 10. Premature stop codons are typically deleterious in nature, however, this stop codon occurs at the 3' terminus of MSH6, is not expected to trigger nonsense-mediated mRNA decay, and removes only the last two amino acids of the protein. The exact functional impact of these removed amino acids is unknown at this time. Since supporting evidence is limited at this time, the clinical significance of this alteration remains unclear.